The following is an entry in ClinVar:

NM_001142800.2(EYS):c.1856T>A (p.Leu619His)

Gene: EYS (EGF-like photoreceptor maintenance factor; minus strand). Cytogenetic location: 6q12.
Variant type: single nucleotide variant.
Coding change: c.1856T>A on transcript NM_001142800.2 (MANE Select); coding-DNA position 1856, T replaced by A.
Protein change: p.Leu619His; replaces leucine 619 with histidine.
Molecular consequence: missense variant.
Genome position (GRCh38, 1-based): chr6:65,296,030, A>T on the plus strand (T>A on the coding strand, the complement: EYS is on the minus strand). VCF-style: chr6-65296030-A-T. GRCh37 (hg19) VCF-style: chr6-66005923-A-T.
Other names: c.1856T>A, p.Leu619His (NM_001292009.2); short protein forms L619H.
Identifiers: ClinVar variation 2900177 (VCV002900177.3), dbSNP rs1173843944, ClinGen allele CA364659668.

ClinVar aggregate classification (germline): Uncertain significance (1 of 4 stars; one submission).

Allele frequency attached by ClinVar (database versions not stated): gnomAD exomes below 0.00001.
gnomAD v4.1: 4 of 1,551,178 alleles (0.00026%); highest among the groups gnomAD compares: Non-Finnish European, 0.00035%; no homozygotes.

Submission:

Labcorp Genetics (formerly Invitae), Labcorp
Classification: Uncertain significance. Last evaluated: 2023-12-07. Review status: criteria provided, single submitter. Criteria: Invitae Variant Classification Sherloc (09022015). Collection method: clinical testing. Allele origin: germline.
Comment: This sequence change replaces leucine, which is neutral and non-polar, with histidine, which is basic and polar, at codon 619 of the EYS protein (p.Leu619His). This variant is present in population databases (no rsID available, gnomAD 0.002%). This variant has not been reported in the literature in individuals affected with EYS-related conditions. Advanced modeling of protein sequence and biophysical properties (such as structural, functional, and spatial information, amino acid conservation, physicochemical variation, residue mobility, and thermodynamic stability) has been performed at Invitae for this missense variant, however the output from this modeling did not meet the statistical confidence thresholds required to predict the impact of this variant on EYS protein function. In summary, the available evidence is currently insufficient to determine the role of this variant in disease. Therefore, it has been classified as a Variant of Uncertain Significance.